The following is an entry in ClinVar:

NM_016239.4(MYO15A):c.6611G>C (p.Arg2204Pro)

Gene: MYO15A (myosin XVA; plus strand). Cytogenetic location: 17p11.2.
Variant type: single nucleotide variant.
Coding change: c.6611G>C on transcript NM_016239.4 (MANE Select); coding-DNA position 6611, G replaced by C.
Protein change: p.Arg2204Pro; replaces arginine 2204 with proline.
Molecular consequence: missense variant.
Genome position (GRCh38, 1-based): chr17:18,148,130, G>C. VCF-style: chr17-18148130-G-C. GRCh37 (hg19) VCF-style: chr17-18051444-G-C.
Other names: short protein forms R2204P.
Identifiers: ClinVar variation 3601376 (VCV003601376.1).

ClinVar aggregate classification (germline): Likely pathogenic (1 of 4 stars; one submission).

Conditions:
Autosomal recessive nonsyndromic hearing loss 3. Also called: NEUROSENSORY NONSYNDROMIC RECESSIVE DEAFNESS 3. Identifiers: Orphanet 90636, MedGen C1838263, MONDO:0010860, OMIM 600316.

Submission:

Institute of Rare Diseases, West China Hospital, Sichuan University
Classification: Likely pathogenic for Autosomal recessive nonsyndromic hearing loss 3. Last evaluated: 2025-01-09. Review status: criteria provided, single submitter. Criteria: ClinGen HL ACMG Specifications v1. Collection method: research. Allele origin: germline. Affected: yes.
Comment: PM3;PM5;PM2_Supporting;PP3